The following is an entry in ClinVar:

NM_000051.4(ATM):c.902G>A (p.Gly301Asp)

Gene: ATM (ATM serine/threonine kinase; plus strand). Cytogenetic location: 11q22.3.
Variant type: single nucleotide variant.
Coding change: c.902G>A on transcript NM_000051.4 (MANE Select); coding-DNA position 902, G replaced by A.
Protein change: p.Gly301Asp; replaces glycine 301 with aspartic acid.
Molecular consequence: missense variant.
Genome position (GRCh38, 1-based): chr11:108,246,964, G>A. VCF-style: chr11-108246964-G-A. GRCh37 (hg19) VCF-style: chr11-108117691-G-A.
Other names: p.Gly301Asp; c.902G>A, p.Gly301Asp (NM_001351834.2); short protein forms G301D.
Identifiers: ClinVar variation 188359 (VCV000188359.91), dbSNP rs202208861, ClinGen allele CA334716.

ClinVar aggregate classification (germline): Conflicting classifications of pathogenicity. Review status: criteria provided, conflicting classifications (1 of 4 stars). 29 submissions from 29 submitters: Uncertain significance (19); Likely benign (1). 9 of the submissions do not count toward it. Last evaluated 2026-06-09.

Conditions:
ATM-related disorder. Also called: ATM-related disorders; ATM-related condition.
Ataxia-telangiectasia syndrome (AT). Also called: LOUIS-BAR SYNDROME; Ataxia-telangiectasia, complementation group D; Ataxia telangiectasia (A-T); AT, COMPLEMENTATION GROUP C; ATAXIA-TELANGIECTASIA, COMPLEMENTATION GROUP A; ATAXIA-TELANGIECTASIA, FRESNO VARIANT. Identifiers: Orphanet 100, MedGen C0004135, MONDO:0008840, OMIM 208900.
Pancreatic cancer, susceptibility to. Identifiers: MedGen C3469525.
Familial cancer of breast. Also called: hereditary breast carcinoma; BREAST CANCER, FAMILIAL; Hereditary breast cancer. Identifiers: Orphanet 227535, MedGen C0346153, MONDO:0016419, OMIM 114480. Disease mechanism: loss of function.
Hereditary cancer-predisposing syndrome. Also called: Tumor predisposition; Neoplastic Syndromes, Hereditary; Hereditary Cancer Syndrome; Hereditary neoplastic syndrome. Identifiers: Orphanet 140162, MedGen C0027672, MeSH D009386, MONDO:0015356.
Malignant tumor of breast. Also called: Malignant breast neoplasm; Cancer breast. Identifiers: MedGen C0006142, MONDO:0007254. Disease mechanism: loss of function.

Allele frequency attached by ClinVar (database versions not stated): gnomAD exomes 0.00005; TOPMed 0.00006; gnomAD 0.00007; ESP Exome Variant Server 0.00008.
gnomAD v4.1: 138 of 1,607,808 alleles (0.0086%); highest among the groups gnomAD compares: Non-Finnish European, 0.012%; no homozygotes.

Submissions 1 to 8 of 29:

PreventionGenetics, part of Exact Sciences
Classification: Uncertain significance for ATM-related condition. Last evaluated: 2026-06-09. Review status: criteria provided, single submitter. Criteria: ACMG Guidelines, 2015. Collection method: clinical testing. Allele origin: germline.
Comment: The ATM c.902G>A variant is predicted to result in the amino acid substitution p.Gly301Asp. This variant has been reported in individuals with breast and prostate cancer (Table S2 - Tavtigian. 2009. PubMed ID: 19781682; Table S5 - Decker et al. 2017. PubMed ID: 28779002; Table S1 - Hauke et al. 2018. PubMed ID: 29522266; Renwick et al. 2006. PubMed ID: 16832357; Brady et al. 2022. PubMed ID: 35467778). This variant is reported in 0.012% of alleles in individuals of European (Non-Finnish) descent in gnomAD and is interpreted as uncertain by the majority of submitters in ClinVar (Variation ID: 188359). At this time, the clinical significance of this variant is uncertain due to the absence of conclusive functional and genetic evidence.

Labcorp Genetics (formerly Invitae), Labcorp
Classification: Uncertain significance for Ataxia-telangiectasia syndrome. Last evaluated: 2026-01-11. Review status: criteria provided, single submitter. Criteria: Invitae Variant Classification Sherloc (09022015). Collection method: clinical testing. Allele origin: germline.
Comment: This sequence change replaces glycine, which is neutral and non-polar, with aspartic acid, which is acidic and polar, at codon 301 of the ATM protein (p.Gly301Asp). This variant is present in population databases (rs202208861, gnomAD 0.01%). This missense change has been observed in individual(s) with breast cancer, ovarian cancer, and/or prostate cancer (PMID: 16832357, 19781682, 20305132, 29522266, 34326862, 35467778). ClinVar contains an entry for this variant (Variation ID: 188359). An algorithm developed to predict the effect of missense changes on protein structure and function (PolyPhen-2) suggests that this variant is likely to be tolerated. RNA analysis performed to evaluate the impact of this missense change on mRNA splicing indicates it does not significantly alter splicing (internal data). In summary, the available evidence is currently insufficient to determine the role of this variant in disease. Therefore, it has been classified as a Variant of Uncertain Significance.

Color Diagnostics, LLC DBA Color Health
Classification: Uncertain significance for Hereditary cancer-predisposing syndrome. Last evaluated: 2025-12-10. Review status: criteria provided, single submitter. Criteria: ACMG Guidelines, 2015. Collection method: clinical testing. Allele origin: germline.
Comment: This missense variant replaces glycine with aspartic acid at codon 301 of the ATM protein. Computational predictions are inconclusive regarding the impact of this variant on protein structure and function. To our knowledge, functional studies have not been reported for this variant. This variant has been reported in individuals affected with breast cancer (PMID: 16832357, 19781682, 20305132, 28779002, 29522266) or prostate cancer (PMID: 33436325). This variant has been detected in a breast cancer case-control meta-analysis in 17/60466 cases and 8/53461 unaffected individuals (PMID: 33471991LOVD DB-ID ATM_000789). This variant has been detected in 2 individuals older than age 70 years who have never had cancer (FLOSSIES database). This variant has been identified in 138/1607808 chromosomes in the general population by the Genome Aggregation Database (gnomAD). The available evidence is insufficient to determine the role of this variant in disease conclusively. Therefore, this variant is classified as a Variant of Uncertain Significance.

Mayo Clinic Laboratories, Mayo Clinic
Classification: Uncertain significance. Last evaluated: 2025-10-28. Review status: criteria provided, single submitter. Criteria: ACMG Guidelines, 2015. Collection method: clinical testing. Allele origin: germline. Observed: 1 variant allele.

Women's Health and Genetics/Laboratory Corporation of America, LabCorp
Classification: Uncertain significance. Last evaluated: 2025-08-12. Review status: criteria provided, single submitter. Criteria: LabCorp Variant Classification Summary - May 2015. Collection method: clinical testing. Allele origin: germline.
Comment: Variant summary: ATM c.902G>A (p.Gly301Asp) results in a non-conservative amino acid change in the encoded protein sequence. Algorithms developed to predict the effect of missense changes on protein structure and function are either unavailable or do not agree on the potential impact of this missense change. Consensus agreement among computation tools predict no significant impact on normal splicing. However, these predictions have yet to be confirmed by functional studies. The variant allele was found at a frequency of 5.2e-05 in 250398 control chromosomes. This frequency is not significantly higher than estimated for a pathogenic variant in ATM causing Breast Cancer (5.2e-05 vs 0.0001), allowing no conclusion about variant significance. c.902G>A has been observed in individual(s) affected with Breast Cancer (e.g. Renwick_2006, Tavtigian_2009, Dorling_2021, Witt_2025) and in individuals with Prostate Cancer (e.g. Karlsson_2021, Brady_2022). The variant was also found in 2/7325 European American women over the age of 70 without a history of cancer (FLOSSIES dataset). These report(s) do not provide unequivocal conclusions about association of the variant with Breast Cancer. To our knowledge, no experimental evidence demonstrating an impact on protein function has been reported. The following publications have been ascertained in the context of this evaluation (PMID: 20305132, 35467778, 35716007, 33471991, 33436325, 16832357, 19781682, 40403485). ClinVar contai (ns an entry for this variant (Variation ID: 188359). Based on the evidence outlined above, the variant was classified as uncertain significance.

Ambry Genetics
Classification: Uncertain significance for Hereditary cancer-predisposing syndrome. Last evaluated: 2025-04-22. Review status: criteria provided, single submitter. Criteria: Ambry Variant Classification Scheme 2023. Collection method: clinical testing. Allele origin: germline.
Comment: The p.G301D variant (also known as c.902G>A) is located in coding exon 7 of the ATM gene. The glycine at codon 301 is replaced by aspartic acid, an amino acid with similar properties. This change occurs in the first base pair of coding exon 7. This alteration was identified in 1/4112 breast cancer cases and was absent in 2399 controls pooled from case-control studies of ATM (Tavtigian SV et al. Am. J. Hum. Genet. 2009 Oct;85:427-46). More recently, this alteration has been reported in 3/13087 breast cancer cases but was absent in 5488 control individuals from the UK (Decker B et al. J Med Genet. 2017 11;54:732-741). This variant was also detected in 1/5589 German BRCA1/2-negative probands with breast cancer (Hauke J et al. Cancer Med. 2018 04;7:1349-1358). This amino acid position is well conserved in available vertebrate species. In addition, this alteration is predicted to be deleterious by in silico analysis. Since supporting evidence is limited at this time, the clinical significance of this alteration remains unclear.

Center for Genomic Medicine, Rigshospitalet, Copenhagen University Hospital
Classification: Uncertain significance. Last evaluated: 2025-03-04. Review status: criteria provided, single submitter. Criteria: ACMG Guidelines, 2015. Collection method: clinical testing. Allele origin: germline.

Myriad Genetics, Inc.
Classification: Likely benign for Familial cancer of breast. Last evaluated: 2025-02-05. Review status: criteria provided, single submitter. Criteria: Myriad Autosomal Dominant, Autosomal Recessive and X-Linked Classification Criteria (2023). Collection method: clinical testing. Allele origin: unknown.
Comment: This variant is considered likely benign. This variant is strongly associated with less severe personal and family histories of cancer, typical for individuals without pathogenic variants in this gene [PMID: 25085752].